The following is an entry in ClinVar:

ClinVar aggregate classification (germline): Uncertain significance (1 of 4 stars; one submission).

Submission:

Labcorp Genetics (formerly Invitae), Labcorp
Classification: Uncertain significance. Last evaluated: 2025-01-06. Review status: criteria provided, single submitter. Criteria: Invitae Variant Classification Sherloc (09022015). Collection method: clinical testing. Allele origin: germline.
Comment: This sequence change creates a premature translational stop signal (p.Val1229Serfs*20) in the SAMD9 gene. While this is not anticipated to result in nonsense mediated decay, it is expected to disrupt the last 361 amino acid(s) of the SAMD9 protein. This variant is not present in population databases (gnomAD no frequency). This variant has not been reported in the literature in individuals affected with SAMD9-related conditions. ClinVar contains an entry for this variant (Variation ID: 2090098). Experimental studies and prediction algorithms are not available or were not evaluated, and the functional significance of this variant is currently unknown. In summary, the available evidence is currently insufficient to determine the role of this variant in disease. Therefore, it has been classified as a Variant of Uncertain Significance.

NM_017654.4(SAMD9):c.3685del (p.Val1229fs)

Gene: SAMD9 (sterile alpha motif domain containing 9; minus strand). Cytogenetic location: 7q21.2.
Variant type: Deletion.
Coding change: c.3685del on transcript NM_017654.4 (MANE Select); coding-DNA position 3685, one base deleted (G; older notation c.3685delG).
Protein change: p.Val1229fs; shifts the reading frame from valine 1229.
Molecular consequence: frameshift variant.
Genome position (GRCh38, 1-based): chr7:93,102,413, C deleted on the plus strand (G on the coding strand, the reverse complement: SAMD9 is on the minus strand); the first of 2 consecutive C bases (chr7:93,102,413-93,102,414); deleting either gives the same sequence. VCF-style (leftmost placement, unchanged base first): chr7-93102412-AC-A. GRCh37 (hg19) VCF-style: chr7-92731725-AC-A.
Other names: c.3685del, p.Val1229fs (NM_001193307.2); short protein forms V1229fs.
Identifiers: ClinVar variation 2090098 (VCV002090098.4), dbSNP rs2535355037, ClinGen allele CA2580077855.